The following is an entry in ClinVar:

ClinVar aggregate classification (germline): Uncertain significance (1 of 4 stars; one submission).

Submission:

Labcorp Genetics (formerly Invitae), Labcorp
Classification: Uncertain significance. Last evaluated: 2024-08-14. Review status: criteria provided, single submitter. Criteria: Invitae Variant Classification Sherloc (09022015). Collection method: clinical testing. Allele origin: germline.
Comment: This sequence change replaces serine, which is neutral and polar, with asparagine, which is neutral and polar, at codon 306 of the TCF3 protein (p.Ser306Asn). This variant is not present in population databases (gnomAD no frequency). This variant has not been reported in the literature in individuals affected with TCF3-related conditions. Invitae Evidence Modeling of protein sequence and biophysical properties (such as structural, functional, and spatial information, amino acid conservation, physicochemical variation, residue mobility, and thermodynamic stability) indicates that this missense variant is not expected to disrupt TCF3 protein function with a negative predictive value of 80%. In summary, the available evidence is currently insufficient to determine the role of this variant in disease. Therefore, it has been classified as a Variant of Uncertain Significance.

NM_003200.5(TCF3):c.917G>A (p.Ser306Asn)

Gene: TCF3 (transcription factor 3; minus strand). Cytogenetic location: 19p13.3.
Variant type: single nucleotide variant.
Coding change: c.917G>A on transcript NM_003200.5 (MANE Select); coding-DNA position 917, G replaced by A.
Protein change: p.Ser306Asn; replaces serine 306 with asparagine.
Molecular consequence: missense variant.
Genome position (GRCh38, 1-based): chr19:1,621,876, C>T on the plus strand (G>A on the coding strand, the complement: TCF3 is on the minus strand). VCF-style: chr19-1621876-C-T. GRCh37 (hg19) VCF-style: chr19-1621875-C-T.
Other names: c.917G>A, p.Ser306Asn (NM_001136139.4, NM_001351778.2, NM_001351779.2); short protein forms S306N.
Identifiers: ClinVar variation 3662405 (VCV003662405.2).